The following is an entry in ClinVar:

ClinVar aggregate classification (germline): Uncertain significance. Review status: criteria provided, multiple submitters, no conflicts (2 of 4 stars). 2 submissions from 2 submitters: Uncertain significance (2). Last evaluated 2025-11-06.

Submissions (2):

Ambry Genetics
Classification: Uncertain significance. Last evaluated: 2025-11-06. Review status: criteria provided, single submitter. Criteria: Ambry Variant Classification Scheme 2023. Collection method: clinical testing. Allele origin: germline.

Labcorp Genetics (formerly Invitae), Labcorp
Classification: Uncertain significance. Last evaluated: 2021-12-21. Review status: criteria provided, single submitter. Criteria: Invitae Variant Classification Sherloc (09022015). Collection method: clinical testing. Allele origin: germline.
Comment: In summary, the available evidence is currently insufficient to determine the role of this variant in disease. Therefore, it has been classified as a Variant of Uncertain Significance. Algorithms developed to predict the effect of missense changes on protein structure and function are either unavailable or do not agree on the potential impact of this missense change (SIFT: "Deleterious"; PolyPhen-2: "Probably Damaging"; Align-GVGD: "Class C15"). This variant has not been reported in the literature in individuals affected with SIX6-related conditions. This variant is not present in population databases (gnomAD no frequency). This sequence change replaces lysine, which is basic and polar, with threonine, which is neutral and polar, at codon 136 of the SIX6 protein (p.Lys136Thr).

NM_007374.3(SIX6):c.407A>C (p.Lys136Thr)

Genes: C14orf39 (chromosome 14 open reading frame 39; minus strand), SIX6 (SIX homeobox 6; plus strand). Cytogenetic location: 14q23.1.
Variant type: single nucleotide variant.
Coding change: c.407A>C on transcript NM_007374.3 (MANE Select); coding-DNA position 407, A replaced by C.
Protein change: p.Lys136Thr; replaces lysine 136 with threonine.
Molecular consequence: missense variant.
Genome position (GRCh38, 1-based): chr14:60,509,805, A>C. VCF-style: chr14-60509805-A-C. GRCh37 (hg19) VCF-style: chr14-60976523-A-C.
Other names: c.407A>C (NM_007374.2); short protein forms K136T.
Identifiers: ClinVar variation 2038007 (VCV002038007.5), dbSNP rs2503606051, ClinGen allele CA390087090.